The following is an entry in ClinVar:

NM_001040108.2(MLH3):c.431C>G (p.Thr144Ser)

Gene: MLH3 (mutL homolog 3; minus strand). Cytogenetic location: 14q24.3.
Variant type: single nucleotide variant.
Coding change: c.431C>G on transcript NM_001040108.2 (MANE Select); coding-DNA position 431, C replaced by G.
Protein change: p.Thr144Ser; replaces threonine 144 with serine.
Molecular consequence: missense variant.
Genome position (GRCh38, 1-based): chr14:75,049,225, G>C on the plus strand (C>G on the coding strand, the complement: MLH3 is on the minus strand). VCF-style: chr14-75049225-G-C. GRCh37 (hg19) VCF-style: chr14-75515928-G-C.
Other names: c.431C>G, p.Thr144Ser (NM_014381.3); short protein forms T144S.
Identifiers: ClinVar variation 1739682 (VCV001739682.3), dbSNP rs1212786454, ClinGen allele CA390450337.

ClinVar aggregate classification (germline): Uncertain significance (1 of 4 stars; one submission).

Allele frequency attached by ClinVar (database versions not stated): TOPMed 0.00002.

Submission:

Ambry Genetics
Classification: Uncertain significance. Last evaluated: 2024-06-20. Review status: criteria provided, single submitter. Criteria: Ambry Variant Classification Scheme 2023. Collection method: clinical testing. Allele origin: germline.
Comment: The p.T144S variant (also known as c.431C>G), located in coding exon 1 of the MLH3 gene, results from a C to G substitution at nucleotide position 431. The threonine at codon 144 is replaced by serine, an amino acid with similar properties. This amino acid position is conserved. In addition, this alteration is predicted to be deleterious by in silico analysis. Since supporting evidence is limited at this time, the clinical significance of this alteration remains unclear.